The following is an entry in ClinVar:

NM_001365088.1(SLC12A6):c.1601A>G (p.Asn534Ser)

Gene: SLC12A6 (solute carrier family 12 member 6; minus strand). Cytogenetic location: 15q14.
Variant type: single nucleotide variant.
Coding change: c.1601A>G on transcript NM_001365088.1 (MANE Select); coding-DNA position 1601, A replaced by G.
Protein change: p.Asn534Ser; replaces asparagine 534 with serine.
Molecular consequence: missense variant.
Genome position (GRCh38, 1-based): chr15:34,250,346, T>C on the plus strand (A>G on the coding strand, the complement: SLC12A6 is on the minus strand). VCF-style: chr15-34250346-T-C. GRCh37 (hg19) VCF-style: chr15-34542547-T-C.
Other names: c.1424A>G, p.Asn475Ser (NM_001042494.2, NM_001042495.2); c.1574A>G, p.Asn525Ser (NM_001042496.2); c.1556A>G, p.Asn519Ser (NM_001042497.2); c.1448A>G, p.Asn483Ser (NM_005135.2); c.1601A>G, p.Asn534Ser (NM_133647.2); short protein forms N483S, N534S, N475S, N519S, N525S.
Identifiers: ClinVar variation 373219 (VCV000373219.21), dbSNP rs778821191, ClinGen allele CA7464263.

ClinVar aggregate classification (germline): Conflicting classifications of pathogenicity. Review status: criteria provided, conflicting classifications (1 of 4 stars). 8 submissions from 8 submitters: Uncertain significance (2); Likely benign (4). 2 of the submissions do not count toward it. Last evaluated 2026-06-01.

Conditions:
SLC12A6-related disorder. Also called: SLC12A6-related condition.
Agenesis of the corpus callosum with peripheral neuropathy (ACCPN). Also called: POLYNEUROPATHY, SENSORIMOTOR, WITH OR WITHOUT AGENESIS OF THE CORPUS CALLOSUM; HMSN/ACC; Hereditary Motor and Sensory Neuropathy with Agenesis of the Corpus Callosum; CHARLEVOIX DISEASE. Identifiers: Orphanet 1496, MedGen C0795950, MONDO:0000902, OMIM 218000. Disease mechanism: loss of function.
Inborn genetic diseases. Identifiers: MedGen C0950123, MeSH D030342.

Allele frequency attached by ClinVar (database versions not stated): gnomAD 0.00006 and 0.00007; gnomAD exomes 0.00013 and 0.00062; TOPMed 0.00028; ExAC 0.00050.
gnomAD v4.1: 198 of 1,589,702 alleles (0.012%); highest among the groups gnomAD compares: Admixed American, 0.31%; 1 homozygote.

Submissions (8):

CeGaT Center for Human Genetics Tuebingen
Classification: Likely benign. Last evaluated: 2026-06-01. Review status: criteria provided, single submitter. Criteria: CeGaT Center For Human Genetics Tuebingen Variant Classification Criteria Version 2. Collection method: clinical testing. Allele origin: germline. Affected: yes. Observed: 1 variant allele.
Comment: SLC12A6: BS2

Women's Health and Genetics/Laboratory Corporation of America, LabCorp
Classification: Likely benign. Last evaluated: 2026-02-18. Review status: criteria provided, single submitter. Criteria: LabCorp Variant Classification Summary - May 2015. Collection method: clinical testing. Allele origin: germline.
Comment: Variant summary: SLC12A6 c.1601A>G (p.Asn534Ser) results in a conservative amino acid change in the encoded protein sequence. Algorithms developed to predict the effect of missense changes on protein structure and function are either unavailable or do not agree on the potential impact of this missense change. The variant allele was found at a frequency of 0.00062 in 251444 control chromosomes, predominantly at a frequency of 0.0043 within the Latino subpopulation in the gnomAD database. The observed variant frequency within Latino control individuals in the gnomAD database exceeds the estimated maximal expected allele frequency for disease-causing variants in SLC12A6. To our knowledge, no occurrence of c.1601A>G in individuals affected with SLC12A6-related conditions and no experimental evidence demonstrating its impact on protein function have been reported. ClinVar contains an entry for this variant (Variation ID: 373219). Based on the evidence outlined above, the variant was classified as likely benign.

Labcorp Genetics (formerly Invitae), Labcorp
Classification: Likely benign. Last evaluated: 2026-01-21. Review status: criteria provided, single submitter. Criteria: Invitae Variant Classification Sherloc (09022015). Collection method: clinical testing. Allele origin: germline.

Ambry Genetics
Classification: Likely benign for Inborn genetic diseases. Last evaluated: 2022-02-17. Review status: criteria provided, single submitter. Criteria: Ambry Variant Classification Scheme 2023. Collection method: clinical testing. Allele origin: germline.

Genome-Nilou Lab
Classification: Uncertain significance for Agenesis of the corpus callosum with peripheral neuropathy. Last evaluated: 2021-07-15. Review status: criteria provided, single submitter. Criteria: ACMG Guidelines, 2015. Collection method: clinical testing. Allele origin: germline. Affected: no.

GeneDx
Classification: Uncertain significance. Last evaluated: 2016-11-14. Review status: criteria provided, single submitter. Criteria: GeneDx Variant Classification (06012015). Collection method: clinical testing. Allele origin: germline. Affected: yes.
Comment: A variant of uncertain significance has been identified in the SLC12A6 gene. The N534S variant has not been published as a pathogenic variant, nor has it been reported as a benign variant to our knowledge. The N534S variant was observed on 60/11,574 (0.5%) alleles from individuals of Latino background in the Exome Aggregation Consortium (ExAC) data set. The N534S variant is a conservative amino acid substitution, which is not likely to impact secondary protein structure as these residues share similar properties. However, this substitution occurs at a position that is conserved in mammals. In silico analysis is inconsistent in its predictions as to whether or not the variant is damaging to the protein structure/function. Therefore, based on the currently available information, it is unclear whether this variant is a pathogenic variant or a rare benign variant.

PreventionGenetics, part of Exact Sciences
Classification: Likely benign for SLC12A6-related condition. Last evaluated: 2023-12-21. Review status: no assertion criteria provided. Collection method: clinical testing. Allele origin: germline. Not counted in ClinVar's aggregate classification.
Comment: This variant is classified as likely benign based on ACMG/AMP sequence variant interpretation guidelines (Richards et al. 2015 PMID: 25741868, with internal and published modifications).

Natera, Inc.
Classification: Uncertain significance for Andermann syndrome. Last evaluated: 2020-04-18. Review status: no assertion criteria provided. Collection method: clinical testing. Allele origin: germline. Not counted in ClinVar's aggregate classification.